The following is an entry in ClinVar:

NM_025179.4(PLXNA2):c.5297T>C (p.Ile1766Thr)

Gene: PLXNA2 (plexin A2; minus strand). Cytogenetic location: 1q32.2.
Variant type: single nucleotide variant.
Coding change: c.5297T>C on transcript NM_025179.4 (MANE Select); coding-DNA position 5297, T replaced by C.
Protein change: p.Ile1766Thr; replaces isoleucine 1766 with threonine.
Molecular consequence: missense variant.
Genome position (GRCh38, 1-based): chr1:208,028,971, A>G on the plus strand (T>C on the coding strand, the complement: PLXNA2 is on the minus strand). VCF-style: chr1-208028971-A-G. GRCh37 (hg19) VCF-style: chr1-208202316-A-G.
Other names: short protein forms I1766T.
Identifiers: ClinVar variation 4990436 (VCV004990436.1).

ClinVar aggregate classification (germline): Uncertain significance (1 of 4 stars; one submission).

Conditions:
PLXNA2-related disorder. Also called: PLXNA2-related condition.

gnomAD v4.1: 36 of 1,613,858 alleles (0.0022%); highest among the groups gnomAD compares: Non-Finnish European, 0.0029%; no homozygotes.

Submission:

PreventionGenetics, part of Exact Sciences
Classification: Uncertain significance for PLXNA2-related condition. Last evaluated: 2025-07-03. Review status: criteria provided, single submitter. Criteria: ACMG Guidelines, 2015. Collection method: clinical testing. Allele origin: germline.
Comment: The PLXNA2 c.5297T>C variant is predicted to result in the amino acid substitution p.Ile1766Thr. To our knowledge, this variant has not been reported in the literature or in a large population database (gnomAD), indicating this variant is rare. At this time, the clinical significance of this variant is uncertain due to the absence of conclusive functional and genetic evidence.